The following is an entry in ClinVar:

ClinVar aggregate classification (germline): Uncertain significance. Review status: criteria provided, multiple submitters, no conflicts (2 of 4 stars). 2 submissions from 2 submitters: Uncertain significance (2). Last evaluated 2024-12-06.

Conditions:
Inborn genetic diseases. Identifiers: MedGen C0950123, MeSH D030342.

Allele frequency attached by ClinVar (database versions not stated): ExAC 0.00001; gnomAD 0.00001; gnomAD exomes 0.00001.
gnomAD v4.1: 4 of 1,614,044 alleles (0.00025%); highest among the groups gnomAD compares: Admixed American, 0.0017%; no homozygotes.

Submissions (2):

Ambry Genetics
Classification: Uncertain significance for Inborn genetic diseases. Last evaluated: 2024-12-06. Review status: criteria provided, single submitter. Criteria: Ambry Variant Classification Scheme 2023. Collection method: clinical testing. Allele origin: germline.

Labcorp Genetics (formerly Invitae), Labcorp
Classification: Uncertain significance. Last evaluated: 2022-07-04. Review status: criteria provided, single submitter. Criteria: Invitae Variant Classification Sherloc (09022015). Collection method: clinical testing. Allele origin: germline.
Comment: In summary, the available evidence is currently insufficient to determine the role of this variant in disease. Therefore, it has been classified as a Variant of Uncertain Significance. Algorithms developed to predict the effect of missense changes on protein structure and function are either unavailable or do not agree on the potential impact of this missense change (SIFT: "Deleterious"; PolyPhen-2: "Probably Damaging"; Align-GVGD: "Class C0"). This variant has not been reported in the literature in individuals affected with DNAH9-related conditions. This variant is present in population databases (rs757394633, gnomAD 0.01%). This sequence change replaces glycine, which is neutral and non-polar, with aspartic acid, which is acidic and polar, at codon 3200 of the DNAH9 protein (p.Gly3200Asp).

NM_001372.4(DNAH9):c.9599G>A (p.Gly3200Asp)

Gene: DNAH9 (dynein axonemal heavy chain 9; plus strand). Cytogenetic location: 17p12.
Variant type: single nucleotide variant.
Coding change: c.9599G>A on transcript NM_001372.4 (MANE Select); coding-DNA position 9599, G replaced by A.
Protein change: p.Gly3200Asp; replaces glycine 3200 with aspartic acid.
Molecular consequence: missense variant.
Genome position (GRCh38, 1-based): chr17:11,854,094, G>A. VCF-style: chr17-11854094-G-A. GRCh37 (hg19) VCF-style: chr17-11757411-G-A.
Other names: c.9599G>A (NM_001372.3); short protein forms G3200D.
Identifiers: ClinVar variation 1926858 (VCV001926858.6), dbSNP rs757394633, ClinGen allele CA8397267.